The following is an entry in ClinVar:

NM_000051.4(ATM):c.3630G>T (p.Met1210Ile)

Gene: ATM (ATM serine/threonine kinase; plus strand). Cytogenetic location: 11q22.3.
Variant type: single nucleotide variant.
Coding change: c.3630G>T on transcript NM_000051.4 (MANE Select); coding-DNA position 3630, G replaced by T.
Protein change: p.Met1210Ile; replaces methionine 1210 with isoleucine.
Molecular consequence: missense variant.
Genome position (GRCh38, 1-based): chr11:108,282,763, G>T. VCF-style: chr11-108282763-G-T. GRCh37 (hg19) VCF-style: chr11-108153490-G-T.
Other names: c.3630G>T, p.Met1210Ile (NM_001351834.2); short protein forms M1210I.
Identifiers: ClinVar variation 824013 (VCV000824013.4), dbSNP rs587778073, ClinGen allele CA6265328.
Genomic context (GRCh38, chr11:108,282,763, plus strand): 5'-CGTGCAGGTTTTAGAGAAAGTTTCTGAAACTTTTGGATATAGACGTTTAGAAGACTTTAT[G>T]GCATCTCATTTAGATTATCTGGTTTTGGAATGGCTAAATCTTCAAGATACTGAATACAAC-3'
Protein context (NP_000042.3, residues 1200-1220): TFGYRRLEDF[Met1210Ile]ASHLDYLVLE

ClinVar aggregate classification (germline): Uncertain significance (1 of 4 stars; one submission).

Conditions:
Hereditary cancer-predisposing syndrome. Also called: Neoplastic Syndromes, Hereditary; Tumor predisposition; Hereditary neoplastic syndrome; Hereditary Cancer Syndrome. Identifiers: Orphanet 140162, MedGen C0027672, MeSH D009386, MONDO:0015356.

Submission:

Ambry Genetics
Classification: Uncertain significance for Hereditary cancer-predisposing syndrome. Last evaluated: 2017-12-26. Review status: criteria provided, single submitter. Criteria: Ambry Variant Classification Scheme 2023. Collection method: clinical testing. Allele origin: germline.
Comment: The p.M1210I variant (also known as c.3630G>T), located in coding exon 24 of the ATM gene, results from a G to T substitution at nucleotide position 3630. The methionine at codon 1210 is replaced by isoleucine, an amino acid with highly similar properties. A similar alteration resulting in the same amino acid change c.3630G>A (p.M1210I) has been detected in 1/4112 breast cancer patients and 0/2399 healthy control individuals across numerous studies (Sommer SS et al. Cancer Genet. Cytogenet., 2002 Apr;134:25-32; Tavtigian SV et al. Am. J. Hum. Genet. 2009 Oct;85:427-46). This amino acid position is well conserved in available vertebrate species. In addition, this alteration is predicted to be deleterious by in silico analysis. Since supporting evidence is limited at this time, the clinical significance of this alteration remains unclear.

Literature cited by the submitters: PubMed 11996792; PubMed 19781682.